The following is an entry in ClinVar:

ClinVar aggregate classification (germline): Uncertain significance (1 of 4 stars; one submission).

Conditions:
Joubert syndrome. Also called: CEREBELLOPARENCHYMAL DISORDER IV; JOUBERT-BOLTSHAUSER SYNDROME; Familial aplasia of the vermis. Identifiers: Orphanet 475, MedGen C5979921, MONDO:0018772.
Meckel-Gruber syndrome. Also called: DYSENCEPHALIA SPLANCHNOCYSTICA; GRUBER SYNDROME; Dysencephalia splachnocystica. Identifiers: Orphanet 564, MedGen C0265215, MONDO:0018921.

Allele frequency attached by ClinVar (database versions not stated): gnomAD exomes below 0.00001; ExAC 0.00001; gnomAD 0.00001; TOPMed 0.00001.
gnomAD v4.1: 5 of 1,596,856 alleles (0.00031%); highest among the groups gnomAD compares: African/African-American, 0.0027%; no homozygotes.

Submission:

Labcorp Genetics (formerly Invitae), Labcorp
Classification: Uncertain significance for Joubert syndrome; Meckel-Gruber syndrome. Last evaluated: 2022-05-28. Review status: criteria provided, single submitter. Criteria: Invitae Variant Classification Sherloc (09022015). Collection method: clinical testing. Allele origin: germline.
Comment: Algorithms developed to predict the effect of sequence changes on RNA splicing suggest that this variant may disrupt the consensus splice site. In summary, the available evidence is currently insufficient to determine the role of this variant in disease. Therefore, it has been classified as a Variant of Uncertain Significance. This variant has not been reported in the literature in individuals affected with TMEM67-related conditions. This sequence change affects codon 622 of the TMEM67 mRNA. It is a 'silent' change, meaning that it does not change the encoded amino acid sequence of the TMEM67 protein. This variant is present in population databases (rs749637489, gnomAD 0.007%).

NM_153704.6(TMEM67):c.1864C>T (p.Leu622=)

Gene: TMEM67 (transmembrane protein 67; plus strand). Cytogenetic location: 8q22.1.
Variant type: single nucleotide variant.
Coding change: c.1864C>T on transcript NM_153704.6 (MANE Select); coding-DNA position 1864, C replaced by T.
Protein change: p.Leu622=; no amino-acid change (leucine 622 retained).
Molecular consequence: synonymous variant. On other transcripts: non-coding transcript variant (1).
Genome position (GRCh38, 1-based): chr8:93,797,137, C>T. VCF-style: chr8-93797137-C-T. GRCh37 (hg19) VCF-style: chr8-94809365-C-T.
Other names: c.1621C>T, p.Leu541= (NM_001142301.1).
Identifiers: ClinVar variation 1983909 (VCV001983909.4), dbSNP rs749637489, ClinGen allele CA4808147.